The following is an entry in ClinVar:

Single allele

Variant type: single nucleotide variant.
Identifiers: ClinVar variation 2640435 (VCV002640435.18), dbSNP rs200876418, ClinGen allele CA469115779.

ClinVar aggregate classification (germline): Likely benign (1 of 4 stars; one submission).

Submission:

CeGaT Center for Human Genetics Tuebingen
Classification: Likely benign. Last evaluated: 2026-03-01. Review status: criteria provided, single submitter. Criteria: CeGaT Center For Human Genetics Tuebingen Variant Classification Criteria Version 2. Collection method: clinical testing. Allele origin: germline. Affected: yes. Observed: 3 variant alleles.
Comment: FAM21B: PM2:Supporting, BP4, BP7